The following is an entry in ClinVar:

ClinVar aggregate classification (germline): Uncertain significance. Review status: criteria provided, multiple submitters, no conflicts (2 of 4 stars). 3 submissions from 3 submitters: Uncertain significance (3). Last evaluated 2025-08-18.

Submissions (3):

Labcorp Genetics (formerly Invitae), Labcorp
Classification: Uncertain significance. Last evaluated: 2025-08-18. Review status: criteria provided, single submitter. Criteria: Invitae Variant Classification Sherloc (09022015). Collection method: clinical testing. Allele origin: germline.
Comment: This sequence change replaces glutamic acid, which is acidic and polar, with lysine, which is basic and polar, at codon 1044 of the POLE protein (p.Glu1044Lys). This variant is not present in population databases (gnomAD no frequency). This variant has not been reported in the literature in individuals affected with POLE-related conditions. ClinVar contains an entry for this variant (Variation ID: 581078). Invitae Evidence Modeling of protein sequence and biophysical properties (such as structural, functional, and spatial information, amino acid conservation, physicochemical variation, residue mobility, and thermodynamic stability) indicates that this missense variant is not expected to disrupt POLE protein function with a negative predictive value of 80%. In summary, the available evidence is currently insufficient to determine the role of this variant in disease. Therefore, it has been classified as a Variant of Uncertain Significance.

GeneDx
Classification: Uncertain significance. Last evaluated: 2025-05-23. Review status: criteria provided, single submitter. Criteria: GeneDx Variant Classification Process June 2021. Collection method: clinical testing. Allele origin: germline. Affected: yes.
Comment: Not observed at significant frequency in large population cohorts (gnomAD); In silico analysis supports that this missense variant has a deleterious effect on protein structure/function; Has not been previously published as pathogenic or benign to our knowledge

Blueprint Genetics
Classification: Uncertain significance. Last evaluated: 2019-09-28. Review status: criteria provided, single submitter. Criteria: ACMG Guidelines, 2015. Collection method: clinical testing. Allele origin: germline.

NM_006231.4(POLE):c.3130G>A (p.Glu1044Lys)

Gene: POLE (DNA polymerase epsilon, catalytic subunit; minus strand). Cytogenetic location: 12q24.33.
Variant type: single nucleotide variant.
Coding change: c.3130G>A on transcript NM_006231.4 (MANE Select); coding-DNA position 3130, G replaced by A.
Protein change: p.Glu1044Lys; replaces glutamic acid 1044 with lysine.
Molecular consequence: missense variant.
Genome position (GRCh38, 1-based): chr12:132,659,440, C>T on the plus strand (G>A on the coding strand, the complement: POLE is on the minus strand). VCF-style: chr12-132659440-C-T. GRCh37 (hg19) VCF-style: chr12-133236026-C-T.
Other names: c.3130G>A (NM_006231.2); short protein forms E1044K.
Identifiers: ClinVar variation 581078 (VCV000581078.9), dbSNP rs1060500869, ClinGen allele CA387391635.